The following is an entry in ClinVar:

ClinVar aggregate classification (germline): Uncertain significance. Review status: criteria provided, multiple submitters, no conflicts (2 of 4 stars). 3 submissions from 3 submitters: Uncertain significance (2). 1 of the submissions does not count toward it. Last evaluated 2024-10-08.

Conditions:
ATP2A1-related disorder. Also called: ATP2A1-related condition.
Brody myopathy. Also called: BRODY DISEASE. Identifiers: Orphanet 53347, MedGen C1832918, MONDO:0010977, OMIM 601003.

Allele frequency attached by ClinVar (database versions not stated): TOPMed 0.00001.
gnomAD v4.1: 12 of 1,614,116 alleles (0.00074%); highest among the groups gnomAD compares: Admixed American, 0.0067%; no homozygotes.

Submissions (3):

GeneDx
Classification: Uncertain significance. Last evaluated: 2024-10-08. Review status: criteria provided, single submitter. Criteria: GeneDx Variant Classification Process June 2021. Collection method: clinical testing. Allele origin: germline. Affected: yes.
Comment: Not observed at significant frequency in large population cohorts (gnomAD); In silico analysis supports that this missense variant has a deleterious effect on protein structure/function; Has not been previously published as pathogenic or benign to our knowledge

Labcorp Genetics (formerly Invitae), Labcorp
Classification: Uncertain significance for Brody myopathy. Last evaluated: 2022-08-16. Review status: criteria provided, single submitter. Criteria: Invitae Variant Classification Sherloc (09022015). Collection method: clinical testing. Allele origin: germline.
Comment: This sequence change replaces glutamic acid, which is acidic and polar, with lysine, which is basic and polar, at codon 771 of the ATP2A1 protein (p.Glu771Lys). This variant is present in population databases (no rsID available, gnomAD 0.007%). This missense change has been observed in individual(s) with clinical features of Brody myopathy (Invitae). ClinVar contains an entry for this variant (Variation ID: 839602). Algorithms developed to predict the effect of missense changes on protein structure and function are either unavailable or do not agree on the potential impact of this missense change (SIFT: "Deleterious"; PolyPhen-2: "Probably Damaging"; Align-GVGD: "Class C0"). In summary, the available evidence is currently insufficient to determine the role of this variant in disease. Therefore, it has been classified as a Variant of Uncertain Significance.

PreventionGenetics, part of Exact Sciences
Classification: Uncertain significance for ATP2A1-related condition. Last evaluated: 2024-05-23. Review status: no assertion criteria provided. Collection method: clinical testing. Allele origin: germline. Not counted in ClinVar's aggregate classification.
Comment: The ATP2A1 c.2311G>A variant is predicted to result in the amino acid substitution p.Glu771Lys. To our knowledge, this variant has not been reported in the literature. This variant is reported in 0.0062% of alleles in individuals of African descent in gnomAD. At this time, the clinical significance of this variant is uncertain due to the absence of conclusive functional and genetic evidence.

NM_004320.6(ATP2A1):c.2311G>A (p.Glu771Lys)

Gene: ATP2A1 (ATPase sarcoplasmic/endoplasmic reticulum Ca2+ transporting 1; plus strand). Cytogenetic location: 16p11.2.
Variant type: single nucleotide variant.
Coding change: c.2311G>A on transcript NM_004320.6 (MANE Select); coding-DNA position 2311, G replaced by A.
Protein change: p.Glu771Lys; replaces glutamic acid 771 with lysine.
Molecular consequence: missense variant.
Genome position (GRCh38, 1-based): chr16:28,902,073, G>A. VCF-style: chr16-28902073-G-A. GRCh37 (hg19) VCF-style: chr16-28913394-G-A.
Other names: c.1936G>A, p.Glu646Lys (NM_001286075.2); c.2311G>A, p.Glu771Lys (NM_173201.5); short protein forms E646K, E771K.
Identifiers: ClinVar variation 839602 (VCV000839602.9), dbSNP rs972494690, ClinGen allele CA279243927.
Genomic context (GRCh38, chr16:28,902,073, plus strand): 5'-CGCGCCATCTACAACAACATGAAGCAGTTCATCCGCTACCTCATTTCCTCCAACGTGGGC[G>A]AGGTGGTCTGGTGAGCAGCTGGGTGGGCGTCCAGGAGGAAGCCGGGGTTAGGGTGGGGTG-3'
Protein context (NP_004311.1, residues 761-781): IRYLISSNVG[Glu771Lys]VVCIFLTAAL